The following is an entry in ClinVar:

NM_000639.3(FASLG):c.220A>G (p.Arg74Gly)

Gene: FASLG (Fas ligand; plus strand). Cytogenetic location: 1q24.3.
Variant type: single nucleotide variant.
Coding change: c.220A>G on transcript NM_000639.3 (MANE Select); coding-DNA position 220, A replaced by G.
Protein change: p.Arg74Gly; replaces arginine 74 with glycine.
Molecular consequence: missense variant.
Genome position (GRCh38, 1-based): chr1:172,659,421, A>G. VCF-style: chr1-172659421-A-G. GRCh37 (hg19) VCF-style: chr1-172628561-A-G.
Other names: c.220A>G, p.Arg74Gly (NM_001302746.2); short protein forms R74G.
Identifiers: ClinVar variation 2575930 (VCV002575930.1), dbSNP rs768423838, ClinGen allele CA1247483.

ClinVar aggregate classification (germline): Uncertain significance (1 of 4 stars; one submission).

Allele frequency attached by ClinVar (database versions not stated): TOPMed below 0.00001; ExAC 0.00001; gnomAD 0.00001; gnomAD exomes 0.00001.
gnomAD v4.1: 12 of 1,613,412 alleles (0.00074%); highest among the groups gnomAD compares: Middle Eastern, 0.033%; no homozygotes.

Submission:

Institute for Clinical Genetics, University Hospital TU Dresden, University Hospital TU Dresden
Classification: Uncertain significance. Last evaluated: 2022-01-10. Review status: criteria provided, single submitter. Criteria: ACMG Guidelines, 2015. Collection method: clinical testing. Allele origin: germline.
Comment: PP3, PM2_SUP